The following is an entry in ClinVar:

ClinVar aggregate classification (germline): Uncertain significance (1 of 4 stars; one submission).

Conditions:
Hereditary cancer-predisposing syndrome. Also called: Neoplastic Syndromes, Hereditary; Tumor predisposition; Hereditary Cancer Syndrome; Hereditary neoplastic syndrome. Identifiers: Orphanet 140162, MedGen C0027672, MeSH D009386, MONDO:0015356.

Submission:

Ambry Genetics
Classification: Uncertain significance for Hereditary cancer-predisposing syndrome. Last evaluated: 2026-02-16. Review status: criteria provided, single submitter. Criteria: Ambry Variant Classification Scheme 2023. Collection method: clinical testing. Allele origin: germline.
Comment: The p.K231R variant (also known as c.692A>G), located in coding exon 7 of the FANCC gene, results from an A to G substitution at nucleotide position 692. The lysine at codon 231 is replaced by arginine, an amino acid with highly similar properties. This amino acid position is conserved. In addition, this alteration is predicted to be tolerated by in silico analysis. Based on the available evidence, the clinical significance of this variant remains unclear.

NM_000136.3(FANCC):c.692A>G (p.Lys231Arg)

Genes: AOPEP (aminopeptidase O (putative); plus strand), FANCC (FA complementation group C; minus strand). Cytogenetic location: 9q22.32.
Variant type: single nucleotide variant.
Coding change: c.692A>G on transcript NM_000136.3 (MANE Select); coding-DNA position 692, A replaced by G.
Protein change: p.Lys231Arg; replaces lysine 231 with arginine.
Molecular consequence: missense variant.
Genome position (GRCh38, 1-based): chr9:95,135,497, T>C on the plus strand (A>G on the coding strand, the complement: FANCC is on the minus strand). VCF-style: chr9-95135497-T-C. GRCh37 (hg19) VCF-style: chr9-97897779-T-C.
Other names: c.692A>G, p.Lys231Arg (NM_001243743.2, NM_001243744.2); short protein forms K231R.
Identifiers: ClinVar variation 4828946 (VCV004828946.1).